The following is an entry in ClinVar:

NM_001083962.2(TCF4):c.146-46442G>T

Gene: TCF4 (transcription factor 4; minus strand). Cytogenetic location: 18q21.2.
Variant type: single nucleotide variant.
Coding change: c.146-46442G>T on transcript NM_001083962.2 (MANE Select); 46442 bases into the intron before coding-DNA position 146, G replaced by T.
Molecular consequence: intron variant. On other transcripts: missense variant (2).
Genome position (GRCh38, 1-based): chr18:55,510,579, C>A on the plus strand (G>T on the coding strand, the complement: TCF4 is on the minus strand). VCF-style: chr18-55510579-C-A. GRCh37 (hg19) VCF-style: chr18-53177810-C-A.
Other names: c.19G>T, p.Asp7Tyr (NM_001243231.2, NM_001348211.2); c.452-46442G>T (NM_001243226.3); c.74-46442G>T (NM_001369584.1, NM_001369576.1, NM_001369577.1 and 15 more transcripts); c.146-46442G>T (NM_001369571.1, NM_001369567.1, NM_001243228.2 and 8 more transcripts); c.140-46442G>T (NM_001243230.2); short protein forms D7Y.
Identifiers: ClinVar variation 931789 (VCV000931789.31), dbSNP rs1164726138, ClinGen allele CA402704731.

ClinVar aggregate classification (germline): Uncertain significance. Review status: criteria provided, multiple submitters, no conflicts (2 of 4 stars). 2 submissions from 2 submitters: Uncertain significance (2). Last evaluated 2023-03-01.

Conditions:
Pitt-Hopkins syndrome (PTHS). Also called: ENCEPHALOPATHY, SEVERE EPILEPTIC, WITH AUTONOMIC DYSFUNCTION; MENTAL RETARDATION, SYNDROMAL, WITH INTERMITTENT HYPERVENTILATION. Identifiers: Orphanet 2896, MedGen C1970431, MONDO:0012589, OMIM 610954.

gnomAD v4.1: 1 of 1,495,156 alleles (0.000067%); highest among the groups gnomAD compares: Non-Finnish European, 0.000089%; no homozygotes.

Submissions (2):

CeGaT Center for Human Genetics Tuebingen
Classification: Uncertain significance. Last evaluated: 2023-03-01. Review status: criteria provided, single submitter. Criteria: CeGaT Center For Human Genetics Tuebingen Variant Classification Criteria Version 2. Collection method: clinical testing. Allele origin: germline. Affected: yes. Observed: 1 variant allele.
Comment: TCF4: PM2, PP2, BP4

Centre for Mendelian Genomics, University Medical Centre Ljubljana
Classification: Uncertain significance for Pitt-Hopkins syndrome. Last evaluated: 2019-01-16. Review status: criteria provided, single submitter. Criteria: ACMG Guidelines, 2015. Collection method: clinical testing. Allele origin: unknown. Affected: yes.
Comment: This variant was classified as: Uncertain significance. The available evidence on this variant's pathogenicity is insufficient or conflicting. The following ACMG criteria were applied in classifying this variant: PM2,PP2,PP3,BS4.